The following is an entry in ClinVar:

NM_001244008.2(KIF1A):c.4967C>G (p.Thr1656Arg)

Gene: KIF1A (kinesin family member 1A; minus strand). Cytogenetic location: 2q37.3.
Variant type: single nucleotide variant.
Coding change: c.4967C>G on transcript NM_001244008.2 (MANE Select); coding-DNA position 4967, C replaced by G.
Protein change: p.Thr1656Arg; replaces threonine 1656 with arginine.
Molecular consequence: missense variant.
Genome position (GRCh38, 1-based): chr2:240,719,828, G>C on the plus strand (C>G on the coding strand, the complement: KIF1A is on the minus strand). VCF-style: chr2-240719828-G-C. GRCh37 (hg19) VCF-style: chr2-241659245-G-C.
Other names: c.4691C>G, p.Thr1564Arg (NM_001320705.2, NM_001379649.1); c.4718C>G, p.Thr1573Arg (NM_001330289.2); c.4766C>G, p.Thr1589Arg (NM_001330290.2, NM_001379648.1); c.5042C>G, p.Thr1681Arg (NM_001379631.1); c.4943C>G, p.Thr1648Arg (NM_001379632.1); c.4940C>G, p.Thr1647Arg (NM_001379633.1, NM_001379645.1); c.4793C>G, p.Thr1598Arg (NM_001379634.1); c.4790C>G, p.Thr1597Arg (NM_001379635.1, NM_001379646.1); and 8 more; short protein forms T1563R, T1648R, T1554R, T1580R, T1589R, T1597R, T1555R, T1564R.
Identifiers: ClinVar variation 2054754 (VCV002054754.7), dbSNP rs1250002854, ClinGen allele CA351300366.

ClinVar aggregate classification (germline): Conflicting classifications of pathogenicity. Review status: criteria provided, conflicting classifications (1 of 4 stars). 4 submissions from 4 submitters: Uncertain significance (3); Likely benign (1). Last evaluated 2025-08-29.

Conditions:
Hereditary spastic paraplegia 30. Identifiers: Orphanet 101010, MedGen C5235139, MONDO:0012476.
Neuropathy, hereditary sensory, type 2C. Also called: Hereditary sensory and autonomic neuropathy type IIC; KIF1A-Related HSAN2 (HSAN2C). Identifiers: Orphanet 970, MedGen C3280168, MONDO:0013634, OMIM 614213.
Intellectual disability, autosomal dominant 9 (NESCAVS). Also called: NESCAV SYNDROME; KIF1A-Related Neurodevelopmental Disorder. Identifiers: Orphanet 662367, MedGen C5393830, MONDO:0013656, OMIM 614255.
Inborn genetic diseases. Identifiers: MedGen C0950123, MeSH D030342.
KIF1A-related disorder. Also called: KIF1A-related disorders; KIF1A-related condition.

Allele frequency attached by ClinVar (database versions not stated): gnomAD exomes below 0.00001; gnomAD 0.00001.
gnomAD v4.1: 2 of 1,611,072 alleles (0.00012%); highest among the groups gnomAD compares: Admixed American, 0.0033%; no homozygotes.

Submissions (4):

Labcorp Genetics (formerly Invitae), Labcorp
Classification: Likely benign for Hereditary spastic paraplegia 30; Neuropathy, hereditary sensory, type 2C; Intellectual disability, autosomal dominant 9. Last evaluated: 2025-08-29. Review status: criteria provided, single submitter. Criteria: Invitae Variant Classification Sherloc (09022015). Collection method: clinical testing. Allele origin: germline.

GeneDx
Classification: Uncertain significance. Last evaluated: 2023-03-28. Review status: criteria provided, single submitter. Criteria: GeneDx Variant Classification Process June 2021. Collection method: clinical testing. Allele origin: germline. Affected: yes.
Comment: In silico analysis supports that this missense variant does not alter protein structure/function; Has not been previously published as pathogenic or benign to our knowledge

PreventionGenetics, part of Exact Sciences
Classification: Uncertain significance for KIF1A-related condition. Last evaluated: 2023-01-30. Review status: criteria provided, single submitter. Criteria: ACMG Guidelines, 2015. Collection method: clinical testing. Allele origin: germline.
Comment: The KIF1A c.4967C>G variant is predicted to result in the amino acid substitution p.Thr1656Arg. To our knowledge, this variant has not been reported in the literature. This variant is reported in 0.0057% of alleles in individuals of Latino descent in gnomAD. At this time, the clinical significance of this variant is uncertain due to the absence of conclusive functional and genetic evidence.

Ambry Genetics
Classification: Uncertain significance for Inborn genetic diseases. Last evaluated: 2021-10-01. Review status: criteria provided, single submitter. Criteria: Ambry Variant Classification Scheme 2023. Collection method: clinical testing. Allele origin: germline.